The following is an entry in ClinVar:

ClinVar aggregate classification (germline): Uncertain significance (1 of 4 stars; one submission).

Allele frequency attached by ClinVar (database versions not stated): gnomAD exomes below 0.00001; ExAC 0.00001.
gnomAD v4.1: 5 of 1,613,982 alleles (0.00031%); highest among the groups gnomAD compares: Admixed American, 0.005%; no homozygotes.

Submission:

Labcorp Genetics (formerly Invitae), Labcorp
Classification: Uncertain significance. Last evaluated: 2024-11-19. Review status: criteria provided, single submitter. Criteria: Invitae Variant Classification Sherloc (09022015). Collection method: clinical testing. Allele origin: germline.
Comment: This sequence change replaces aspartic acid, which is acidic and polar, with alanine, which is neutral and non-polar, at codon 885 of the DCHS1 protein (p.Asp885Ala). This variant is present in population databases (rs766829465, gnomAD 0.006%). This variant has not been reported in the literature in individuals affected with DCHS1-related conditions. ClinVar contains an entry for this variant (Variation ID: 1899749). Invitae Evidence Modeling of protein sequence and biophysical properties (such as structural, functional, and spatial information, amino acid conservation, physicochemical variation, residue mobility, and thermodynamic stability) indicates that this missense variant is not expected to disrupt DCHS1 protein function with a negative predictive value of 80%. In summary, the available evidence is currently insufficient to determine the role of this variant in disease. Therefore, it has been classified as a Variant of Uncertain Significance.

NM_003737.4(DCHS1):c.2654A>C (p.Asp885Ala)

Gene: DCHS1 (dachsous cadherin-related 1; minus strand). Cytogenetic location: 11p15.4.
Variant type: single nucleotide variant.
Coding change: c.2654A>C on transcript NM_003737.4 (MANE Select); coding-DNA position 2654, A replaced by C.
Protein change: p.Asp885Ala; replaces aspartic acid 885 with alanine.
Molecular consequence: missense variant.
Genome position (GRCh38, 1-based): chr11:6,632,858, T>G on the plus strand (A>C on the coding strand, the complement: DCHS1 is on the minus strand). VCF-style: chr11-6632858-T-G. GRCh37 (hg19) VCF-style: chr11-6654089-T-G.
Other names: short protein forms D885A.
Identifiers: ClinVar variation 1899749 (VCV001899749.5), dbSNP rs766829465, ClinGen allele CA5860683.